The following is an entry in ClinVar:

NM_201384.3(PLEC):c.4277G>A (p.Arg1426Gln)

Gene: PLEC (plectin; minus strand). Cytogenetic location: 8q24.3.
Variant type: single nucleotide variant.
Coding change: c.4277G>A on transcript NM_201384.3 (MANE Select); coding-DNA position 4277, G replaced by A.
Protein change: p.Arg1426Gln; replaces arginine 1426 with glutamine.
Molecular consequence: missense variant.
Genome position (GRCh38, 1-based): chr8:143,925,652, C>T on the plus strand (G>A on the coding strand, the complement: PLEC is on the minus strand). VCF-style: chr8-143925652-C-T. GRCh37 (hg19) VCF-style: chr8-144999820-C-T.
Other names: c.4358G>A, p.Arg1453Gln (NM_000445.5); c.4235G>A, p.Arg1412Gln (NM_201378.4); c.4211G>A, p.Arg1404Gln (NM_201379.3); c.4688G>A, p.Arg1563Gln (NM_201380.4); c.4181G>A, p.Arg1394Gln (NM_201381.3); c.4277G>A, p.Arg1426Gln (NM_201382.4); c.4289G>A, p.Arg1430Gln (NM_201383.3); c.4358G>A (NM_000445.3); short protein forms R1394Q, R1404Q, R1412Q, R1426Q, R1430Q, R1453Q, R1563Q.
Identifiers: ClinVar variation 498061 (VCV000498061.13), dbSNP rs1226948756, ClinGen allele CA372558605.
Genomic context (GRCh38, chr8:143,925,652, plus strand): 5'-CTGCGCTCAGCCGCCTCTGCCTGCCGGGCCTTGGCCTGGATCTCCGCCTCCGAGCTCTGC[C>T]GCAGCTGCTGCAGCTCCTCCTGAATGCTGCGCTTCTGCTGCTGCGCGTCCACCGCCGCCT-3'
Protein context (NP_958786.1, residues 1416-1436): RSIQEELQQL[Arg1426Gln]QSSEAEIQAK

ClinVar aggregate classification (germline): Uncertain significance. Review status: criteria provided, multiple submitters, no conflicts (2 of 4 stars). 3 submissions from 3 submitters: Uncertain significance (3). Last evaluated 2025-10-21.

Conditions:
Epidermolysis bullosa simplex 5B, with muscular dystrophy (EBS5B). Also called: EPIDERMOLYSIS BULLOSA SIMPLEX AND LIMB-GIRDLE MUSCULAR DYSTROPHY; Epidermolysis bullosa simplex with muscular dystrophy. Identifiers: Orphanet 257, MedGen C2931072, MONDO:0009181, OMIM 226670.
Epidermolysis bullosa simplex, Ogna type (EBS5A). Also called: Pidermolysis bullosa simplex 5A, Ogna type; EPIDERMOLYSIS BULLOSA SIMPLEX 5A, OGNA TYPE. Identifiers: Orphanet 79401, MedGen C0432317, MONDO:0007555, OMIM 131950.
Autosomal recessive limb-girdle muscular dystrophy type 2Q (LGMDR17). Also called: MUSCULAR DYSTROPHY, LIMB-GIRDLE, AUTOSOMAL RECESSIVE 17. Identifiers: Orphanet 254361, MedGen C3150989, MONDO:0013390, OMIM 613723.
Epidermolysis bullosa simplex 5C, with pyloric atresia (EBS5C). Also called: Epidermolysis bullosa simplex with pyloric atresia; PLEC1-Related Epidermolysis Bullosa with Pyloric Atresia; PLEC-Related Epidermolysis Bullosa with Pyloric Atresia. Identifiers: Orphanet 158684, MedGen C2677349, MONDO:0012807, OMIM 612138.
Epidermolysis bullosa simplex with nail dystrophy (EBS5D). Identifiers: MedGen C4225309, MONDO:0014661, OMIM 616487.

Allele frequency attached by ClinVar (database versions not stated): gnomAD exomes below 0.00001 and 0.00002; TOPMed below 0.00001; gnomAD 0.00001.
gnomAD v4.1: 26 of 1,585,672 alleles (0.0016%); highest among the groups gnomAD compares: East Asian, 0.0023%; no homozygotes.

Submissions (3):

Labcorp Genetics (formerly Invitae), Labcorp
Classification: Uncertain significance for Autosomal recessive limb-girdle muscular dystrophy type 2Q; Epidermolysis bullosa simplex, Ogna type; Epidermolysis bullosa simplex with nail dystrophy; Epidermolysis bullosa simplex 5C, with pyloric atresia; Epidermolysis bullosa simplex 5B, with muscular dystrophy. Last evaluated: 2025-10-21. Review status: criteria provided, single submitter. Criteria: Invitae Variant Classification Sherloc (09022015). Collection method: clinical testing. Allele origin: germline.
Comment: This sequence change replaces arginine, which is basic and polar, with glutamine, which is neutral and polar, at codon 1453 of the PLEC protein (p.Arg1453Gln). The frequency data for this variant in the population databases is considered unreliable, as metrics indicate poor data quality at this position in the gnomAD database. This variant has not been reported in the literature in individuals affected with PLEC-related conditions. ClinVar contains an entry for this variant (Variation ID: 498061). Invitae Evidence Modeling of protein sequence and biophysical properties (such as structural, functional, and spatial information, amino acid conservation, physicochemical variation, residue mobility, and thermodynamic stability) indicates that this missense variant is not expected to disrupt PLEC protein function with a negative predictive value of 80%. In summary, the available evidence is currently insufficient to determine the role of this variant in disease. Therefore, it has been classified as a Variant of Uncertain Significance.

Revvity Omics, Revvity
Classification: Uncertain significance. Last evaluated: 2020-05-13. Review status: criteria provided, single submitter. Criteria: ACMG Guidelines, 2015. Collection method: clinical testing. Allele origin: germline.

Eurofins Ntd Llc (ga)
Classification: Uncertain significance. Last evaluated: 2017-10-17. Review status: criteria provided, single submitter. Criteria: EGL Classification Definitions 2015. Collection method: clinical testing. Allele origin: germline. Observed: 2 variant alleles, 2 heterozygotes.